The following is an entry in ClinVar:

ClinVar aggregate classification (germline): Uncertain significance (1 of 4 stars; one submission).

gnomAD v4.1: 6 of 1,614,134 alleles (0.00037%); highest among the groups gnomAD compares: East Asian, 0.0067%; no homozygotes.

Submission:

Labcorp Genetics (formerly Invitae), Labcorp
Classification: Uncertain significance. Last evaluated: 2024-12-24. Review status: criteria provided, single submitter. Criteria: Invitae Variant Classification Sherloc (09022015). Collection method: clinical testing. Allele origin: germline.
Comment: This sequence change replaces aspartic acid, which is acidic and polar, with asparagine, which is neutral and polar, at codon 561 of the DLC1 protein (p.Asp561Asn). This variant is present in population databases (rs375115845, gnomAD 0.01%). This variant has not been reported in the literature in individuals affected with DLC1-related conditions. An algorithm developed to predict the effect of missense changes on protein structure and function (PolyPhen-2) suggests that this variant is likely to be tolerated. In summary, the available evidence is currently insufficient to determine the role of this variant in disease. Therefore, it has been classified as a Variant of Uncertain Significance.

NM_182643.3(DLC1):c.1681G>A (p.Asp561Asn)

Gene: DLC1 (DLC1 Rho GTPase activating protein; minus strand). Cytogenetic location: 8p22.
Variant type: single nucleotide variant.
Coding change: c.1681G>A on transcript NM_182643.3 (MANE Select); coding-DNA position 1681, G replaced by A.
Protein change: p.Asp561Asn; replaces aspartic acid 561 with asparagine.
Molecular consequence: missense variant.
Genome position (GRCh38, 1-based): chr8:13,100,656, C>T on the plus strand (G>A on the coding strand, the complement: DLC1 is on the minus strand). VCF-style: chr8-13100656-C-T. GRCh37 (hg19) VCF-style: chr8-12958165-C-T.
Other names: c.148G>A, p.Asp50Asn (NM_001164271.2, NM_001348082.2, NM_001348083.1 and 6 more transcripts); c.472G>A, p.Asp158Asn (NM_001316668.2, NM_001413129.1); c.1681G>A, p.Asp561Asn (NM_001348081.2, NM_001413124.1); c.121G>A, p.Asp41Asn (NM_001413137.1, NM_001413131.1); c.370G>A, p.Asp124Asn (NM_001413139.1, NM_006094.5, NM_001413135.1 and 1 more transcripts); c.505G>A, p.Asp169Asn (NM_001413140.1); c.463G>A, p.Asp155Asn (NM_001413130.1); c.607G>A, p.Asp203Asn (NM_001413132.1); short protein forms D41N, D561N, D124N, D169N, D158N, D203N, D155N, D50N.
Identifiers: ClinVar variation 3690328 (VCV003690328.2).